The following is an entry in ClinVar:

NM_024529.5(CDC73):c.1316+6A>T

Gene: CDC73 (cell division cycle 73; plus strand). Cytogenetic location: 1q31.2.
Variant type: single nucleotide variant.
Coding change: c.1316+6A>T on transcript NM_024529.5 (MANE Select); 6 bases into the intron after coding-DNA position 1316, A replaced by T.
Molecular consequence: intron variant.
Genome position (GRCh38, 1-based): chr1:193,233,160, A>T. VCF-style: chr1-193233160-A-T. GRCh37 (hg19) VCF-style: chr1-193202290-A-T.
Identifiers: ClinVar variation 1412374 (VCV001412374.6), dbSNP rs2102058502, ClinGen allele CA2573131391.

ClinVar aggregate classification (germline): Uncertain significance (1 of 4 stars; one submission).

Conditions:
Parathyroid carcinoma (PRTC). Also called: CDC73-Related Parathyroid Carcinoma; Parathyroid gland carcinoma. Identifiers: Orphanet 143, MedGen C0687150, MONDO:0012004, OMIM 608266, HP:0006780.

Submission:

Labcorp Genetics (formerly Invitae), Labcorp
Classification: Uncertain significance for Parathyroid carcinoma. Last evaluated: 2022-08-09. Review status: criteria provided, single submitter. Criteria: Invitae Variant Classification Sherloc (09022015). Collection method: clinical testing. Allele origin: germline.
Comment: ClinVar contains an entry for this variant (Variation ID: 1412374). This variant has not been reported in the literature in individuals affected with CDC73-related conditions. This variant is not present in population databases (gnomAD no frequency). This sequence change falls in intron 14 of the CDC73 gene. It does not directly change the encoded amino acid sequence of the CDC73 protein. It affects a nucleotide within the consensus splice site. Variants that disrupt the consensus splice site are a relatively common cause of aberrant splicing (PMID: 17576681, 9536098). Algorithms developed to predict the effect of sequence changes on RNA splicing suggest that this variant is not likely to affect RNA splicing. In summary, the available evidence is currently insufficient to determine the role of this variant in disease. Therefore, it has been classified as a Variant of Uncertain Significance.

Literature cited by the submitters: PubMed 17576681; PubMed 9536098.